The following is an entry in ClinVar:

ClinVar aggregate classification (germline): Uncertain significance. Review status: criteria provided, multiple submitters, no conflicts (2 of 4 stars). 2 submissions from 2 submitters: Uncertain significance (2). Last evaluated 2025-05-25.

Conditions:
Inborn genetic diseases. Identifiers: MedGen C0950123, MeSH D030342.

Allele frequency attached by ClinVar (database versions not stated): gnomAD exomes below 0.00001.

Submissions (2):

Ambry Genetics
Classification: Uncertain significance for Inborn genetic diseases. Last evaluated: 2025-05-25. Review status: criteria provided, single submitter. Criteria: Ambry Variant Classification Scheme 2023. Collection method: clinical testing. Allele origin: germline.

Labcorp Genetics (formerly Invitae), Labcorp
Classification: Uncertain significance. Last evaluated: 2023-10-03. Review status: criteria provided, single submitter. Criteria: Invitae Variant Classification Sherloc (09022015). Collection method: clinical testing. Allele origin: germline.
Comment: This sequence change replaces glycine, which is neutral and non-polar, with aspartic acid, which is acidic and polar, at codon 663 of the LPIN1 protein (p.Gly663Asp). This variant is not present in population databases (gnomAD no frequency). This variant has not been reported in the literature in individuals affected with LPIN1-related conditions. Advanced modeling of protein sequence and biophysical properties (such as structural, functional, and spatial information, amino acid conservation, physicochemical variation, residue mobility, and thermodynamic stability) performed at Invitae indicates that this missense variant is expected to disrupt LPIN1 protein function. In summary, the available evidence is currently insufficient to determine the role of this variant in disease. Therefore, it has been classified as a Variant of Uncertain Significance.

NM_001349206.2(LPIN1):c.2096G>A (p.Gly699Asp)

Gene: LPIN1 (lipin 1; plus strand). Cytogenetic location: 2p25.1.
Variant type: single nucleotide variant.
Coding change: c.2096G>A on transcript NM_001349206.2 (MANE Select); coding-DNA position 2096, G replaced by A.
Protein change: p.Gly699Asp; replaces glycine 699 with aspartic acid.
Molecular consequence: missense variant. On other transcripts: non-coding transcript variant (1).
Genome position (GRCh38, 1-based): chr2:11,804,505, G>A. VCF-style: chr2-11804505-G-A. GRCh37 (hg19) VCF-style: chr2-11944631-G-A.
Other names: c.1988G>A (NM_145693.1); c.2006G>A, p.Gly669Asp (NM_001261427.3); c.2243G>A, p.Gly748Asp (NM_001261428.3); c.1988G>A, p.Gly663Asp (NM_001349199.2, NM_145693.4); c.2066G>A, p.Gly689Asp (NM_001349200.2, NM_001349201.2); c.2093G>A, p.Gly698Asp (NM_001349202.2, NM_001349203.2); c.2096G>A, p.Gly699Asp (NM_001349204.2, NM_001349205.2); c.2186G>A, p.Gly729Asp (NM_001349207.2); and 1 more; short protein forms G699D, G689D, G712D, G729D, G669D, G748D, G663D, G698D.
Identifiers: ClinVar variation 2963452 (VCV002963452.4), dbSNP rs2546211798, ClinGen allele CA345855190.
Genomic context (GRCh38, chr2:11,804,505, plus strand): 5'-GCCCCAACGACGTGGTTTTCAGTGTCACCACGCAGTACCAAGGCACGTGCCGCTGTGAGG[G>A]CACCATCTATCTGTGGAACTGGGATGATAAAGTCATCATTTCTGATATTGATGGGACAAT-3'
Protein context (NP_001336135.1, residues 689-709): TQYQGTCRCE[Gly699Asp]TIYLWNWDDK